The following is an entry in ClinVar:

ClinVar aggregate classification (germline): Pathogenic (1 of 4 stars; one submission).

Submission:

Labcorp Genetics (formerly Invitae), Labcorp
Classification: Pathogenic. Last evaluated: 2022-01-03. Review status: criteria provided, single submitter. Criteria: Invitae Variant Classification Sherloc (09022015). Collection method: clinical testing. Allele origin: germline.
Comment: For these reasons, this variant has been classified as Pathogenic. This variant has not been reported in the literature in individuals affected with PCDH15-related conditions. This variant is a gross deletion of the genomic region encompassing exon(s) 4-21 of the PCDH15 gene. This deletion is out-of-frame, and is expected to create a premature termination codon and result in an absent or disrupted protein product. Loss-of-function variants in PCDH15 are known to be pathogenic (PMID: 11398101, 11487575, 14570705).

Literature cited by the submitters: PubMed 11398101; PubMed 11487575; PubMed 14570705.

NC_000010.10:g.(?_55755399)_(56138712_?)del

Gene: PCDH15 (protocadherin related 15; minus strand). Cytogenetic location: 10q21.1.
Variant type: Deletion.
Identifiers: ClinVar variation 1456944 (VCV001456944.5).